The following is an entry in ClinVar:

NM_006180.6(NTRK2):c.2072G>T (p.Arg691Leu)

Gene: NTRK2 (neurotrophic receptor tyrosine kinase 2; plus strand). Cytogenetic location: 9q21.33.
Variant type: single nucleotide variant.
Coding change: c.2072G>T on transcript NM_006180.6 (MANE Select); coding-DNA position 2072, G replaced by T.
Protein change: p.Arg691Leu; replaces arginine 691 with leucine.
Molecular consequence: missense variant.
Genome position (GRCh38, 1-based): chr9:84,955,417, G>T. VCF-style: chr9-84955417-G-T. GRCh37 (hg19) VCF-style: chr9-87570332-G-T.
Other names: c.2024G>T, p.Arg675Leu (NM_001018064.3, NM_001369532.1, NM_001369533.1); c.1988G>T, p.Arg663Leu (NM_001369534.1); c.1556G>T, p.Arg519Leu (NM_001369535.1); c.1604G>T, p.Arg535Leu (NM_001369536.1); short protein forms R535L, R663L, R675L, R691L, R519L.
Identifiers: ClinVar variation 4992684 (VCV004992684.1).
Genomic context (GRCh38, chr9:84,955,417, plus strand): 5'-ATATAGCCCAGCAGATCGCCGCGGGCATGGTCTACCTGGCGTCCCAGCACTTCGTGCACC[G>T]CGATTTGGCCACCAGGAACTGCCTGGTCGGGGAGAACTTGCTGGTGAAAATCGGGGACTT-3'
Protein context (NP_006171.2, residues 681-701): VYLASQHFVH[Arg691Leu]DLATRNCLVG

ClinVar aggregate classification (germline): Uncertain significance (1 of 4 stars; one submission).

Conditions:
NTRK2-related disorder. Also called: NTRK2-related condition.

Submission:

PreventionGenetics, part of Exact Sciences
Classification: Uncertain significance for NTRK2-related condition. Last evaluated: 2025-08-18. Review status: criteria provided, single submitter. Criteria: ACMG Guidelines, 2015. Collection method: clinical testing. Allele origin: germline.
Comment: The NTRK2 c.2072G>T variant is predicted to result in the amino acid substitution p.Arg691Leu. To our knowledge, this variant has not been reported in the literature or in a large population database (gnomAD), indicating this variant is rare. At this time, the clinical significance of this variant is uncertain due to the absence of conclusive functional and genetic evidence.